The following is an entry in ClinVar:

NM_005428.4(VAV1):c.1084G>A (p.Ala362Thr)

Gene: VAV1 (vav guanine nucleotide exchange factor 1; plus strand). Cytogenetic location: 19p13.3.
Variant type: single nucleotide variant.
Coding change: c.1084G>A on transcript NM_005428.4 (MANE Select); coding-DNA position 1084, G replaced by A.
Protein change: p.Ala362Thr; replaces alanine 362 with threonine.
Molecular consequence: missense variant.
Genome position (GRCh38, 1-based): chr19:6,828,479, G>A. VCF-style: chr19-6828479-G-A. GRCh37 (hg19) VCF-style: chr19-6828490-G-A.
Other names: c.1084G>A, p.Ala362Thr (NM_001258206.2); c.988G>A, p.Ala330Thr (NM_001258207.2); short protein forms A330T, A362T.
Identifiers: ClinVar variation 3979422 (VCV003979422.2).

ClinVar aggregate classification (germline): Uncertain significance. Review status: criteria provided, multiple submitters, no conflicts (2 of 4 stars). 2 submissions from 2 submitters: Uncertain significance (2). Last evaluated 2025-07-21.

gnomAD v4.1: 2 of 1,614,072 alleles (0.00012%); highest among the groups gnomAD compares: Admixed American, 0.0017%; no homozygotes.

Submissions (2):

Labcorp Genetics (formerly Invitae), Labcorp
Classification: Uncertain significance. Last evaluated: 2025-07-21. Review status: criteria provided, single submitter. Criteria: Invitae Variant Classification Sherloc (09022015). Collection method: clinical testing. Allele origin: germline.
Comment: This sequence change replaces alanine, which is neutral and non-polar, with threonine, which is neutral and polar, at codon 362 of the VAV1 protein (p.Ala362Thr). This variant is not present in population databases (gnomAD no frequency). This variant has not been reported in the literature in individuals affected with VAV1-related conditions. An algorithm developed to predict the effect of missense changes on protein structure and function (PolyPhen-2) suggests that this variant is likely to be disruptive. In summary, the available evidence is currently insufficient to determine the role of this variant in disease. Therefore, it has been classified as a Variant of Uncertain Significance.

Ambry Genetics
Classification: Uncertain significance. Last evaluated: 2025-04-04. Review status: criteria provided, single submitter. Criteria: Ambry Variant Classification Scheme 2023. Collection method: clinical testing. Allele origin: germline.